The following is an entry in ClinVar:

ClinVar aggregate classification (germline): Likely benign. Review status: criteria provided, multiple submitters, no conflicts (2 of 4 stars). 2 submissions from 2 submitters: Likely benign (2). Last evaluated 2026-06-04.

Submissions (2):

Women's Health and Genetics/Laboratory Corporation of America, LabCorp
Classification: Likely benign. Last evaluated: 2026-06-04. Review status: criteria provided, single submitter. Criteria: LabCorp Variant Classification Summary - May 2015. Collection method: clinical testing. Allele origin: germline.
Comment: Variant summary: PRKG2 c.2127-25_2127-14del12 alters a nucleotide located at a position not widely known to affect splicing. Consensus agreement among computation tools predict no significant impact on normal splicing. However, these predictions have yet to be confirmed by functional studies. The variant was absent in 23520 control chromosomes. The available data on variant occurrences in the general population are insufficient to allow any conclusion about variant significance. To our knowledge, no occurrence of c.2127-25_2127-14del12 in individuals affected with PRKG2-related conditions and no experimental evidence demonstrating its impact on protein function have been reported. No submitters have cited clinical-significance assessments for this variant to ClinVar. Based on the evidence outlined above, the variant was classified as likely benign.

Blueprint Genetics
Classification: Likely benign. Last evaluated: 2024-11-26. Review status: criteria provided, single submitter. Criteria: ACMG Guidelines, 2015. Collection method: clinical testing. Allele origin: germline.

NM_006259.3(PRKG2):c.2127-61CCTT[9]

Gene: PRKG2 (protein kinase cGMP-dependent 2; minus strand). Cytogenetic location: 4q21.21.
Variant type: Microsatellite.
Coding change: c.2127-61CCTT[9] on transcript NM_006259.3 (MANE Select); nine copies in a row of the 4-base unit CCTT starting at c.2127-61; the reference has 12 copies in a row; three copies, 12 bases deleted.
Molecular consequence: intron variant.
Genome position (GRCh38, 1-based): chr4:81,092,466-81,092,477, AAGGAAGGAAGG deleted on the plus strand (CCTTCCTTCCTT on the coding strand, the reverse complement: PRKG2 is on the minus strand); deleting any 12 consecutive bases within chr4:81,092,466-81,092,513 gives the same sequence; the position shown is the placement nearest the transcript's 3' end. VCF-style (leftmost placement, unchanged base first): chr4-81092465-AAAGGAAGGAAGG-A. GRCh37 (hg19) VCF-style: chr4-82013619-AAAGGAAGGAAGG-A.
Other names: c.780-61CCTT[9] (NM_001282482.1); c.687-61CCTT[9] (NM_001282483.1); c.867-61CCTT[9] (NM_001282481.1, NM_001282480.1); c.2040-61CCTT[9] (NM_001282485.2); c.2127-61CCTT[9] (NM_001363401.2); c.2127-25_2127-14del12 (NM_006259.3).
Identifiers: ClinVar variation 4887517 (VCV004887517.2).